The following is an entry in ClinVar:

ClinVar aggregate classification (germline): Uncertain significance (1 of 4 stars; one submission).

Conditions:
PLXNA1-related disorder. Also called: PLXNA1-related condition.

gnomAD v4.1: 3 of 1,613,376 alleles (0.00019%); highest among the groups gnomAD compares: Non-Finnish European, 0.00025%; no homozygotes.

Submission:

PreventionGenetics, part of Exact Sciences
Classification: Uncertain significance for PLXNA1-related condition. Last evaluated: 2025-09-16. Review status: criteria provided, single submitter. Criteria: ACMG Guidelines, 2015. Collection method: clinical testing. Allele origin: germline.
Comment: The PLXNA1 c.4135C>T variant is predicted to result in the amino acid substitution p.Arg1379Cys. To our knowledge, this variant has not been reported in the literature or in a large population database (gnomAD), indicating this variant is rare. At this time, the clinical significance of this variant is uncertain due to the absence of conclusive functional and genetic evidence.

NM_032242.4(PLXNA1):c.4135C>T (p.Arg1379Cys)

Gene: PLXNA1 (plexin A1; plus strand). Cytogenetic location: 3q21.3.
Variant type: single nucleotide variant.
Coding change: c.4135C>T on transcript NM_032242.4 (MANE Select); coding-DNA position 4135, C replaced by T.
Protein change: p.Arg1379Cys; replaces arginine 1379 with cysteine.
Molecular consequence: missense variant.
Genome position (GRCh38, 1-based): chr3:127,022,181, C>T. VCF-style: chr3-127022181-C-T. GRCh37 (hg19) VCF-style: chr3-126741024-C-T.
Other names: short protein forms R1379C.
Identifiers: ClinVar variation 5000789 (VCV005000789.1).